The following is an entry in ClinVar:

ClinVar aggregate classification (germline): Likely pathogenic (1 of 4 stars; one submission).

Conditions:
Juvenile polyposis/hereditary hemorrhagic telangiectasia syndrome (JPHT). Also called: JP/HHT SYNDROME; JUVENILE POLYPOSIS WITH HEREDITARY HEMORRHAGIC TELANGIECTASIA; POLYPOSIS, GENERALIZED JUVENILE, WITH PULMONARY ARTERIOVENOUS MALFORMATION; TELANGIECTASIA, HEREDITARY HEMORRHAGIC, WITH JUVENILE POLYPOSIS COLI; Juvenile Polyposis Syndrome / Hereditary Hemorrhagic Telangiectasia (JPS/HHT). Identifiers: Orphanet 2929, MedGen C1832942, MONDO:0008278, OMIM 175050.

Submission:

Myriad Genetics, Inc.
Classification: Likely pathogenic for Juvenile polyposis/hereditary hemorrhagic telangiectasia syndrome. Last evaluated: 2024-09-03. Review status: criteria provided, single submitter. Criteria: Myriad Autosomal Dominant, Autosomal Recessive and X-Linked Classification Criteria (2023). Collection method: clinical testing. Allele origin: unknown.
Comment: This variant is considered likely pathogenic. This variant creates a frameshift predicted to result in premature protein truncation.

NC_000018.10:g.51058125del

Gene: SMAD4 (SMAD family member 4; plus strand). Cytogenetic location: 18q21.2.
Variant type: Deletion.
Genome position: GRCh38 VCF-style: chr18-51058123-AG-A. GRCh37 (hg19) VCF-style: chr18-48584493-AG-A.
Identifiers: ClinVar variation 3378930 (VCV003378930.1).